The following is an entry in ClinVar:

NM_016222.4(DDX41):c.994A>T (p.Met332Leu)

Gene: DDX41 (DEAD-box helicase 41; minus strand). Cytogenetic location: 5q35.3.
Variant type: single nucleotide variant.
Coding change: c.994A>T on transcript NM_016222.4 (MANE Select); coding-DNA position 994, A replaced by T.
Protein change: p.Met332Leu; replaces methionine 332 with leucine.
Molecular consequence: missense variant.
Genome position (GRCh38, 1-based): chr5:177,513,789, T>A on the plus strand (A>T on the coding strand, the complement: DDX41 is on the minus strand). VCF-style: chr5-177513789-T-A. GRCh37 (hg19) VCF-style: chr5-176940790-T-A.
Other names: c.616A>T, p.Met206Leu (NM_001321732.2, NM_001321830.2); short protein forms M332L, M206L.
Identifiers: ClinVar variation 4617212 (VCV004617212.1).

ClinVar aggregate classification (germline): Uncertain significance (1 of 4 stars; one submission).

Conditions:
Inborn genetic diseases. Identifiers: MedGen C0950123, MeSH D030342.

gnomAD v4.1: 1 of 1,613,766 alleles (0.000062%); no homozygotes.

Submission:

Ambry Genetics
Classification: Uncertain significance for Inborn genetic diseases. Last evaluated: 2025-11-27. Review status: criteria provided, single submitter. Criteria: Ambry Variant Classification Scheme 2023. Collection method: clinical testing. Allele origin: germline.
Comment: The p.M332L variant (also known as c.994A>T), located in coding exon 10 of the DDX41 gene, results from an A to T substitution at nucleotide position 994. The methionine at codon 332 is replaced by leucine, an amino acid with highly similar properties. This amino acid position is conserved. In addition, this alteration is predicted to be tolerated by in silico analysis. Based on the available evidence, the clinical significance of this variant remains unclear.